The following is an entry in ClinVar:

NM_020975.6(RET):c.989G>A (p.Arg330Gln)

Gene: RET (ret proto-oncogene; plus strand). Cytogenetic location: 10q11.21.
Variant type: single nucleotide variant.
Coding change: c.989G>A on transcript NM_020975.6 (MANE Select); coding-DNA position 989, G replaced by A.
Protein change: p.Arg330Gln; replaces arginine 330 with glutamine.
Molecular consequence: missense variant.
Genome position (GRCh38, 1-based): chr10:43,106,497, G>A. VCF-style: chr10-43106497-G-A. GRCh37 (hg19) VCF-style: chr10-43601945-G-A.
Other names: c.989G>A (NM_020630.5); c.989G>A, p.Arg330Gln (NM_000323.2, NM_001406743.1, NM_001406744.1 and 6 more transcripts); c.227G>A, p.Arg76Gln (NM_001355216.2); c.860G>A, p.Arg287Gln (NM_001406761.1, NM_001406762.1, NM_001406764.1 and 1 more transcripts); c.701G>A, p.Arg234Gln (NM_001406766.1, NM_001406767.1, NM_001406770.1); short protein forms R330Q, R76Q, R287Q, R234Q.
Identifiers: ClinVar variation 13926 (VCV000013926.14), dbSNP rs80236571, ClinGen allele CA009415.

ClinVar aggregate classification (germline): Conflicting classifications of pathogenicity. Review status: criteria provided, conflicting classifications (1 of 4 stars). 7 submissions from 7 submitters: Likely pathogenic (4); Uncertain significance (2). 1 of the submissions does not count toward it. Last evaluated 2026-01-05.

Conditions:
Multiple endocrine neoplasia type 2A. Also called: MULTIPLE ENDOCRINE NEOPLASIA, TYPE IIA; PTC SYNDROME; SIPPLE SYNDROME; MEN 2A; MEN-2A syndrome; Pheochromocytoma and amyloid producing medullary thyroid carcinoma. Identifiers: Orphanet 247698, Orphanet 653, MedGen C0025268, MeSH D018813, MONDO:0008234, OMIM 171400.
Pheochromocytoma. Also called: MAX-Related Hereditary Paraganglioma-Pheochromocytoma Syndrome. Identifiers: Orphanet 29072, MedGen C0031511, MONDO:0008233, OMIM 171300, HP:0002666.
Familial medullary thyroid carcinoma (MTC). Also called: Thyroid cancer, familial medullary; MTC, familial; Familial Medullary Thyroid Carcinoma (FMTC). Identifiers: Orphanet 653, Orphanet 99361, MedGen C1833921, MONDO:0007958, OMIM 155240.
Multiple endocrine neoplasia type 2B. Also called: MEN 2B; Multiple endocrine neoplasia, type 3; MULTIPLE ENDOCRINE NEOPLASIA, TYPE IIB; MUCOSAL NEUROMA SYNDROME; NEUROMATA, MUCOSAL, WITH ENDOCRINE TUMORS; WAGENMANN-FROBOESE SYNDROME. Identifiers: Orphanet 247709, Orphanet 653, MedGen C0025269, MeSH D018814, MONDO:0008082, OMIM 162300.
Hirschsprung disease, susceptibility to, 1 (HSCR1). Also called: RET-Related Hirschsprung Disease. Identifiers: Orphanet 388, MedGen C3888239, MONDO:0007723, OMIM 142623.
Hereditary cancer-predisposing syndrome. Also called: Neoplastic Syndromes, Hereditary; Tumor predisposition; Hereditary neoplastic syndrome; Hereditary Cancer Syndrome. Identifiers: Orphanet 140162, MedGen C0027672, MeSH D009386, MONDO:0015356.
Multiple endocrine neoplasia, type 2 (MEN2). Identifiers: Orphanet 653, MedGen C4048306, MONDO:0019003. Disease mechanism: gain of function.

Allele frequency attached by ClinVar (database versions not stated): gnomAD exomes below 0.00001; TOPMed below 0.00001.

Submissions (7):

Labcorp Genetics (formerly Invitae), Labcorp
Classification: Likely pathogenic for Multiple endocrine neoplasia, type 2. Last evaluated: 2026-01-05. Review status: criteria provided, single submitter. Criteria: Invitae Variant Classification Sherloc (09022015). Collection method: clinical testing. Allele origin: germline.
Comment: This sequence change replaces arginine, which is basic and polar, with glutamine, which is neutral and polar, at codon 330 of the RET protein (p.Arg330Gln). This variant is not present in population databases (gnomAD no frequency). This missense change has been observed in individual(s) with Hirschsprung disease (PMID: 7581377, 7633441, 8114939). ClinVar contains an entry for this variant (Variation ID: 13926). An algorithm developed to predict the effect of missense changes on protein structure and function (PolyPhen-2) suggests that this variant is likely to be disruptive. Experimental studies have shown that this missense change affects RET function (PMID: 8894691). In summary, the currently available evidence indicates that the variant is pathogenic, but additional data are needed to prove that conclusively. Therefore, this variant has been classified as Likely Pathogenic.

Ambry Genetics
Classification: Uncertain significance for Hereditary cancer-predisposing syndrome. Last evaluated: 2025-11-26. Review status: criteria provided, single submitter. Criteria: Ambry Variant Classification Scheme 2023. Collection method: clinical testing. Allele origin: germline.
Comment: The p.R330Q variant (also known as c.989G>A), located in coding exon 5 of the RET gene, results from a G to A substitution at nucleotide position 989. The arginine at codon 330 is replaced by glutamine, an amino acid with highly similar properties. This variant was reported in individual(s) with features consistent with Hirschsprung disease (Tang CS et al. Gastroenterology, 2018 Dec;155:1908-1922.e5; Atti&eacute; T et al. Hum Mol Genet, 1995 Aug;4:1381-6; Edery P et al. J Med Genet, 1994 Aug;31:602-6; Pelet A et al. J Med Genet, 2005 Mar;42:e18; Angrist M et al. Hum Mol Genet, 1995 May;4:821-30). This amino acid position is highly conserved in available vertebrate species. In addition, this alteration is predicted to be deleterious by in silico analysis. Based on the available evidence, the clinical significance of this variant remains unclear.

Neuberg Centre For Genomic Medicine, NCGM
Classification: Likely pathogenic for Hirschsprung disease, susceptibility to, 1. Last evaluated: 2023-06-22. Review status: criteria provided, single submitter. Criteria: ACMG Guidelines, 2015. Collection method: clinical testing. Allele origin: germline. Inheritance: Autosomal dominant inheritance. Affected: yes.
Comment: The observed missense variant c.989G>A(p.Arg330Gln) in RET gene has been reported previously in individuals with Hirschsprung disease (Pelet A, et al., 2005, Edery P, et al., 1994). Experimental studies have shown that this missense change affects RET function, however, available evidence is insufficient to prove pathogenicity (Iwashita T, 1996). This variant is absent in gnomAD Exomes. It has been submitted to ClinVar as Likely Pathogenic/ risk factor. The amino acid Arg at position 330 is changed to a Gln changing protein sequence and it might alter its composition and physico-chemical properties. Computational evidence (Polyphen-Probably damaging, SIFT-Tolerated and MutationTaster-disease causing) predicts conflicting evidence on protein structure and function for this variant.The reference amino acid p.Arg330Gln in RET is predicted as conserved by GERP++ and PhyloP across 100 vertebrates. For these reasons, this variant has been classified as Likely Pathogenic.

All of Us Research Program, National Institutes of Health
Classification: Uncertain significance for Multiple endocrine neoplasia, type 2. Last evaluated: 2023-02-22. Review status: criteria provided, single submitter. Criteria: ACMG Guidelines, 2015. Collection method: clinical testing. Allele origin: germline. Inheritance: Autosomal dominant inheritance. Observed: 1 variant allele, 1 heterozygote.
Comment: The variant has been reported in patients affected with AD Hirschsprung disease.

This study involves interpretation of variants in research participants for the purpose of population health screening. Participant phenotype was not available at the time of variant classification. Additional details can be found in publication PMID: 35346344, PMCID: PMC8962531

Clinical Genetics Laboratory, Skane University Hospital Lund
Classification: Likely pathogenic. Last evaluated: 2022-05-27. Review status: criteria provided, single submitter. Criteria: ACMG Guidelines, 2015. Collection method: clinical testing. Allele origin: germline. Affected: yes.

Department of Pathology and Laboratory Medicine, Sinai Health System
Classification: Likely pathogenic for Hirschsprung disease, susceptibility to, 1; Familial medullary thyroid carcinoma; Multiple endocrine neoplasia type 2B; Pheochromocytoma; Multiple endocrine neoplasia type 2A. Last evaluated: 2021-07-07. Review status: criteria provided, single submitter. Criteria: ACMG Guidelines, 2015. Collection method: clinical testing. Allele origin: germline. Affected: yes.

OMIM
Classification: risk factor for HIRSCHSPRUNG DISEASE, SUSCEPTIBILITY TO, 1. Last evaluated: 1994-01-27. Review status: no assertion criteria provided. Collection method: literature only. Allele origin: germline. Not counted in ClinVar's aggregate classification.

Literature cited by the submitters: PubMed 7581377 (cited by 3 submitters); PubMed 7633441 (cited by 3 submitters); PubMed 8114939 (cited by 3 submitters); PubMed 8894691 (cited by Labcorp Genetics (formerly Invitae), Labcorp and Department of Pathology and Laboratory Medicine, Sinai Health System); PubMed 15744028 (cited by Ambry Genetics); PubMed 30217742 (cited by Ambry Genetics); PubMed 7815416 (cited by Ambry Genetics).